The following is an entry in ClinVar:

NM_000093.5(COL5A1):c.2134-116T>C

Gene: COL5A1 (collagen type V alpha 1 chain; plus strand). Cytogenetic location: 9q34.3.
Variant type: single nucleotide variant.
Coding change: c.2134-116T>C on transcript NM_000093.5 (MANE Select); 116 bases into the intron before coding-DNA position 2134, T replaced by C.
Molecular consequence: intron variant.
Genome position (GRCh38, 1-based): chr9:134,766,884, T>C. VCF-style: chr9-134766884-T-C. GRCh37 (hg19) VCF-style: chr9-137658730-T-C.
Other names: c.2134-116T>C (NM_001278074.1).
Identifiers: ClinVar variation 672246 (VCV000672246.2), dbSNP rs4842159, ClinGen allele CA12975143.

ClinVar aggregate classification (germline): Benign. Review status: criteria provided, multiple submitters, no conflicts (2 of 4 stars). 2 submissions from 2 submitters: Benign (2). Last evaluated 2018-06-14.

Allele frequency attached by ClinVar (database versions not stated): gnomAD 0.62464 and 0.62628; TOPMed 0.63106; 1000 Genomes Project 30x 0.68785; 1000 Genomes Project 0.68910.
gnomAD v4.1: 556,508 of 992,462 alleles (56%); highest among the groups gnomAD compares: East Asian, 89%; 162,770 homozygotes.

Submissions (2):

GeneDx
Classification: Benign. Last evaluated: 2018-06-14. Review status: criteria provided, single submitter. Criteria: GeneDx Variant Classification (06012015). Collection method: clinical testing. Allele origin: germline. Affected: yes.
Comment: This variant is considered likely benign or benign based on one or more of the following criteria: it is a conservative change, it occurs at a poorly conserved position in the protein, it is predicted to be benign by multiple in silico algorithms, and/or has population frequency not consistent with disease.

Breakthrough Genomics
Classification: Benign. Review status: criteria provided, single submitter. Criteria: ACMG Guidelines, 2015. Collection method: not provided. Allele origin: germline. Inheritance: Autosomal dominant inheritance. Affected: yes.